The following is an entry in ClinVar:

ClinVar aggregate classification (germline): Uncertain significance (1 of 4 stars; one submission).

Submission:

GeneDx
Classification: Uncertain significance. Last evaluated: 2026-01-26. Review status: criteria provided, single submitter. Criteria: GeneDx Variant Classification Process June 2021. Collection method: clinical testing. Allele origin: germline.
Comment: Not observed at significant frequency in large population cohorts (gnomAD); In silico analysis supports that this missense variant has a deleterious effect on protein structure/function; Has not been previously published as pathogenic or benign to our knowledge

NM_001130021.3(ATP6V0A1):c.328G>C (p.Glu110Gln)

Gene: ATP6V0A1 (ATPase H+ transporting V0 subunit a1; plus strand). Cytogenetic location: 17q21.2.
Variant type: single nucleotide variant.
Coding change: c.328G>C on transcript NM_001130021.3 (MANE Select); coding-DNA position 328, G replaced by C.
Protein change: p.Glu110Gln; replaces glutamic acid 110 with glutamine.
Molecular consequence: missense variant. On other transcripts: intron variant (5).
Genome position (GRCh38, 1-based): chr17:42,470,123, G>C. VCF-style: chr17-42470123-G-C. GRCh37 (hg19) VCF-style: chr17-40622141-G-C.
Other names: c.328G>C, p.Glu110Gln (NM_001378537.1, NM_001378539.1, NM_001378541.1 and 20 more transcripts); c.148G>C, p.Glu50Gln (NM_001378543.1, NM_001378549.1); c.294+2016G>C (NM_001378536.1, NM_001378550.1, NM_001378556.1 and 2 more transcripts); short protein forms E110Q, E50Q.
Identifiers: ClinVar variation 3774177 (VCV003774177.2).